The following is an entry in ClinVar:

NM_001069.3(TUBB2A):c.101G>A (p.Gly34Asp)

Gene: TUBB2A (tubulin beta 2A class IIa; minus strand). Cytogenetic location: 6p25.2.
Variant type: single nucleotide variant.
Coding change: c.101G>A on transcript NM_001069.3 (MANE Select); coding-DNA position 101, G replaced by A.
Protein change: p.Gly34Asp; replaces glycine 34 with aspartic acid.
Molecular consequence: missense variant. On other transcripts: 5 prime UTR variant (1).
Genome position (GRCh38, 1-based): chr6:3,156,109, C>T on the plus strand (G>A on the coding strand, the complement: TUBB2A is on the minus strand). VCF-style: chr6-3156109-C-T. GRCh37 (hg19) VCF-style: chr6-3156343-C-T.
Other names: c.-287G>A (NM_001310315.2); short protein forms G34D.
Identifiers: ClinVar variation 3390084 (VCV003390084.14).

ClinVar aggregate classification (germline): Uncertain significance (1 of 4 stars; one submission).

Submission:

CeGaT Center for Human Genetics Tuebingen
Classification: Uncertain significance. Last evaluated: 2025-07-01. Review status: criteria provided, single submitter. Criteria: CeGaT Center For Human Genetics Tuebingen Variant Classification Criteria Version 2. Collection method: clinical testing. Allele origin: germline. Affected: yes. Observed: 2 variant alleles.
Comment: TUBB2A: PM2, PP2, PP3, BS2